The following is an entry in ClinVar:

NM_000540.3(RYR1):c.10760A>G (p.Asp3587Gly)

Gene: RYR1 (ryanodine receptor 1; plus strand). Cytogenetic location: 19q13.2.
Variant type: single nucleotide variant.
Coding change: c.10760A>G on transcript NM_000540.3 (MANE Select); coding-DNA position 10760, A replaced by G.
Protein change: p.Asp3587Gly; replaces aspartic acid 3587 with glycine.
Molecular consequence: missense variant.
Genome position (GRCh38, 1-based): chr19:38,527,720, A>G. VCF-style: chr19-38527720-A-G. GRCh37 (hg19) VCF-style: chr19-39018360-A-G.
Other names: c.10745A>G, p.Asp3582Gly (NM_001042723.2); c.10760A>G (NM_000540.2); short protein forms D3582G, D3587G.
Identifiers: ClinVar variation 808565 (VCV000808565.47), dbSNP rs778763130, ClinGen allele CA054631.
Genomic context (GRCh38, chr19:38,527,720, plus strand): 5'-CGTCTCTGCGCTGGCAGATGGCTCTGTACCGGGGCGTCCCGGGTCGCGAGGAGGACGCCG[A>G]TGACCCCGAGAAAATCGTGCGCAGAGTCCAGGAAGTGTCAGCCGTGCTCTACTACCTGGA-3'
Protein context (NP_000531.2, residues 3577-3597): RGVPGREEDA[Asp3587Gly]DPEKIVRRVQ

ClinVar aggregate classification (germline): Uncertain significance. Review status: criteria provided, multiple submitters, no conflicts (2 of 4 stars). 4 submissions from 4 submitters: Uncertain significance (4). Last evaluated 2023-05-30.

Conditions:
Malignant hyperthermia, susceptibility to, 1 (MHS1). Also called: Malignant hyperthermia suceptibility 1; RYR1-Related Malignant Hyperthermia Susceptibility; Anesthesia related hyperthermia; Malignant hyperpyrexia; Fulminating hyperpyrexia; Pharmacogenic myopathy. Identifiers: Orphanet 423, MedGen C2930980, MONDO:0007783, OMIM 145600.
Inborn genetic diseases. Identifiers: MedGen C0950123, MeSH D030342.

Allele frequency attached by ClinVar (database versions not stated): TOPMed below 0.00001; gnomAD 0.00001; gnomAD exomes 0.00003 and 0.00007; ExAC 0.00005.
gnomAD v4.1: 44 of 1,613,910 alleles (0.0027%); highest among the groups gnomAD compares: South Asian, 0.03%; 1 homozygote.

Submissions (4):

All of Us Research Program, National Institutes of Health
Classification: Uncertain significance for Malignant hyperthermia, susceptibility to, 1. Last evaluated: 2023-05-30. Review status: criteria provided, single submitter. Criteria: ACMG Guidelines, 2015. Collection method: clinical testing. Allele origin: germline. Inheritance: Autosomal dominant inheritance. Observed: 2 variant alleles, 2 heterozygotes.
Comment: This missense variant replaces aspartic acid with glycine at codon 3587 of the RYR1 protein. Computational prediction suggests that this variant may not impact protein structure and function (internally defined REVEL score threshold <= 0.5, PMID: 27666373). To our knowledge, functional studies have not been reported for this variant. This variant has not been reported in individuals affected with RYR1-related disorders in the literature. This variant has been identified in 18/282582 chromosomes in the general population by the Genome Aggregation Database (gnomAD). The available evidence is insufficient to determine the role of this variant in disease conclusively. Therefore, this variant is classified as a Variant of Uncertain Significance.

This study involves interpretation of variants in research participants for the purpose of population health screening. Participant phenotype was not available at the time of variant classification. Additional details can be found in publication PMID: 35346344, PMCID: PMC8962531

Ambry Genetics
Classification: Uncertain significance for Inborn genetic diseases. Last evaluated: 2023-03-02. Review status: criteria provided, single submitter. Criteria: Ambry Variant Classification Scheme 2023. Collection method: clinical testing. Allele origin: germline.

MGZ Medical Genetics Center
Classification: Uncertain significance for Malignant hyperthermia, susceptibility to, 1. Last evaluated: 2021-08-27. Review status: criteria provided, single submitter. Criteria: ACMG Guidelines, 2015. Collection method: clinical testing. Allele origin: germline. Affected: yes. Observed: 1 variant allele.
Comment: ACMG criteria applied: PM2_SUP, PP3

CeGaT Center for Human Genetics Tuebingen
Classification: Uncertain significance. Last evaluated: 2018-04-01. Review status: criteria provided, single submitter. Criteria: CeGaT Center For Human Genetics Tuebingen Variant Classification Criteria Version 2. Collection method: clinical testing. Allele origin: germline. Affected: yes. Observed: 1 variant allele.